The following is an entry in ClinVar:

NM_000179.3(MSH6):c.945T>G (p.Ser315=)

Gene: MSH6 (mutS homolog 6; plus strand). Cytogenetic location: 2p16.3.
Variant type: single nucleotide variant.
Coding change: c.945T>G on transcript NM_000179.3 (MANE Select); coding-DNA position 945, T replaced by G.
Protein change: p.Ser315=; no amino-acid change (serine 315 retained).
Molecular consequence: synonymous variant.
Genome position (GRCh38, 1-based): chr2:47,798,928, T>G. VCF-style: chr2-47798928-T-G. GRCh37 (hg19) VCF-style: chr2-48026067-T-G.
Other names: c.555T>G, p.Ser185= (NM_001281492.2); c.39T>G, p.Ser13= (NM_001281493.2, NM_001281494.2).
Identifiers: ClinVar variation 455359 (VCV000455359.41), dbSNP rs761581941, ClinGen allele CA426120632.
Genomic context (GRCh38, chr2:47,798,928, plus strand): 5'-AGTTGCTCGAAAGCGGAAGAGAATGGTGACTGGAAATGGCTCTCTTAAAAGGAAAAGCTC[T>G]AGGAAGGAAACGCCCTCAGCCACCAAACAAGCAACTAGCATTTCATCAGAAACCAAGAAT-3'
Protein context (NP_000170.1, residues 305-325): TGNGSLKRKS[Ser315=]RKETPSATKQ

ClinVar aggregate classification (germline): Conflicting classifications of pathogenicity. Review status: criteria provided, conflicting classifications (1 of 4 stars). 10 submissions from 10 submitters: Uncertain significance (1); Benign (1); Likely benign (8). Last evaluated 2025-11-09.

Conditions:
Hereditary cancer-predisposing syndrome. Also called: Hereditary neoplastic syndrome; Neoplastic Syndromes, Hereditary; Hereditary Cancer Syndrome; Tumor predisposition. Identifiers: Orphanet 140162, MedGen C0027672, MeSH D009386, MONDO:0015356.
Lynch syndrome. Identifiers: Orphanet 144, MedGen C4552100, MONDO:0005835. Disease mechanism: loss of function.
Hereditary nonpolyposis colorectal neoplasms. Identifiers: MedGen C0009405, MeSH D003123.
Lynch syndrome 5 (LYNCH5). Also called: Hereditary non-polyposis colorectal cancer, type 5; Colorectal cancer, hereditary nonpolyposis, type 5. Identifiers: Orphanet 144, MedGen C1833477, MONDO:0013710, OMIM 614350. Disease mechanism: loss of function.

Allele frequency attached by ClinVar (database versions not stated): TOPMed below 0.00001; gnomAD exomes 0.00002.
gnomAD v4.1: 30 of 1,614,126 alleles (0.0019%); highest among the groups gnomAD compares: Non-Finnish European, 0.002%; no homozygotes.

Submissions (10):

Labcorp Genetics (formerly Invitae), Labcorp
Classification: Likely benign for Hereditary nonpolyposis colorectal neoplasms. Last evaluated: 2025-11-09. Review status: criteria provided, single submitter. Criteria: Invitae Variant Classification Sherloc (09022015). Collection method: clinical testing. Allele origin: germline.

Myriad Genetics, Inc.
Classification: Benign for Lynch syndrome 5. Last evaluated: 2024-12-20. Review status: criteria provided, single submitter. Criteria: Myriad Autosomal Dominant, Autosomal Recessive and X-Linked Classification Criteria (2023). Collection method: clinical testing. Allele origin: unknown.
Comment: This variant is considered benign. This variant is a silent/synonymous amino acid change and it is not expected to impact splicing.

CeGaT Center for Human Genetics Tuebingen
Classification: Likely benign. Last evaluated: 2024-07-01. Review status: criteria provided, single submitter. Criteria: CeGaT Center For Human Genetics Tuebingen Variant Classification Criteria Version 2. Collection method: clinical testing. Allele origin: germline. Affected: yes. Observed: 1 variant allele.
Comment: MSH6: PM2:Supporting, BP4, BP7

All of Us Research Program, National Institutes of Health
Classification: Likely benign for Lynch syndrome. Last evaluated: 2023-06-08. Review status: criteria provided, single submitter. Criteria: ACMG Guidelines, 2015. Collection method: clinical testing. Allele origin: germline. Inheritance: Autosomal dominant inheritance. Observed: 2 variant alleles, 2 heterozygotes.
Comment: This study involves interpretation of variants in research participants for the purpose of population health screening. Participant phenotype was not available at the time of variant classification. Additional details can be found in publication PMID: 35346344, PMCID: PMC8962531

Quest Diagnostics Nichols Institute San Juan Capistrano
Classification: Uncertain significance. Last evaluated: 2023-05-09. Review status: criteria provided, single submitter. Criteria: Quest Diagnostics criteria. Collection method: clinical testing. Allele origin: unknown.
Comment: To the best of our knowledge, the variant has not been reported in the published literature. It also has not been reported in large, multi-ethnic general populations. Analysis of this variant using software algorithms for the prediction of the effect of nucleotide changes on splicing yielded predictions that this variant does not affect MSH6 mRNA splicing . Based on the available information, we are unable to determine the clinical significance of this variant.

Sema4
Classification: Likely benign for Hereditary cancer-predisposing syndrome. Last evaluated: 2022-02-27. Review status: criteria provided, single submitter. Criteria: Sema4 Curation Guidelines. Collection method: curation. Allele origin: germline.

Women's Health and Genetics/Laboratory Corporation of America, LabCorp
Classification: Likely benign. Last evaluated: 2019-08-29. Review status: criteria provided, single submitter. Criteria: LabCorp Variant Classification Summary - May 2015. Collection method: clinical testing. Allele origin: germline.

GeneDx
Classification: Likely benign. Last evaluated: 2018-05-14. Review status: criteria provided, single submitter. Criteria: GeneDx Variant Classification (06012015). Collection method: clinical testing. Allele origin: germline. Affected: yes.
Comment: This variant is considered likely benign or benign based on one or more of the following criteria: it is a conservative change, it occurs at a poorly conserved position in the protein, it is predicted to be benign by multiple in silico algorithms, and/or has population frequency not consistent with disease.

Ambry Genetics
Classification: Likely benign for Hereditary cancer-predisposing syndrome. Last evaluated: 2016-07-25. Review status: criteria provided, single submitter. Criteria: Ambry Variant Classification Scheme 2023. Collection method: clinical testing. Allele origin: germline.

Color Diagnostics, LLC DBA Color Health
Classification: Likely benign for Hereditary cancer-predisposing syndrome. Last evaluated: 2015-06-15. Review status: criteria provided, single submitter. Criteria: ACMG Guidelines, 2015. Collection method: clinical testing. Allele origin: germline.